The following is an entry in ClinVar:

NM_004104.5(FASN):c.5146G>A (p.Asp1716Asn)

Gene: FASN (fatty acid synthase; minus strand). Cytogenetic location: 17q25.3.
Variant type: single nucleotide variant.
Coding change: c.5146G>A on transcript NM_004104.5 (MANE Select); coding-DNA position 5146, G replaced by A.
Protein change: p.Asp1716Asn; replaces aspartic acid 1716 with asparagine.
Molecular consequence: missense variant.
Genome position (GRCh38, 1-based): chr17:82,083,844, C>T on the plus strand (G>A on the coding strand, the complement: FASN is on the minus strand). VCF-style: chr17-82083844-C-T. GRCh37 (hg19) VCF-style: chr17-80041720-C-T.
Other names: short protein forms D1716N.
Identifiers: ClinVar variation 1373035 (VCV001373035.8), dbSNP rs181589044, ClinGen allele CA8851806.

ClinVar aggregate classification (germline): Uncertain significance (1 of 4 stars; one submission).

Conditions:
Epileptic encephalopathy. Identifiers: MedGen C0543888, HP:0200134.

Allele frequency attached by ClinVar (database versions not stated): gnomAD 0.00001 and 0.00003; gnomAD exomes 0.00001; TOPMed 0.00003; ExAC 0.00005; ESP Exome Variant Server 0.00008; 1000 Genomes Project 30x 0.00016; 1000 Genomes Project 0.00020.
gnomAD v4.1: 22 of 1,598,450 alleles (0.0014%); highest among the groups gnomAD compares: African/African-American, 0.017%; no homozygotes.

Submission:

Labcorp Genetics (formerly Invitae), Labcorp
Classification: Uncertain significance for Epileptic encephalopathy. Last evaluated: 2025-04-09. Review status: criteria provided, single submitter. Criteria: Invitae Variant Classification Sherloc (09022015). Collection method: clinical testing. Allele origin: germline.
Comment: This sequence change replaces aspartic acid, which is acidic and polar, with asparagine, which is neutral and polar, at codon 1716 of the FASN protein (p.Asp1716Asn). This variant is present in population databases (rs181589044, gnomAD 0.02%). This variant has not been reported in the literature in individuals affected with FASN-related conditions. ClinVar contains an entry for this variant (Variation ID: 1373035). An algorithm developed to predict the effect of missense changes on protein structure and function outputs the following: PolyPhen-2: "Benign". The asparagine amino acid residue is found in multiple mammalian species, which suggests that this missense change does not adversely affect protein function. In summary, the available evidence is currently insufficient to determine the role of this variant in disease. Therefore, it has been classified as a Variant of Uncertain Significance.